The following is an entry in ClinVar:

ClinVar aggregate classification (germline): Benign/Likely benign. Review status: criteria provided, multiple submitters, no conflicts (2 of 4 stars). 3 submissions from 3 submitters: Benign (1); Likely benign (2). Last evaluated 2025-08-06.

Conditions:
Hereditary cancer-predisposing syndrome. Also called: Neoplastic Syndromes, Hereditary; Tumor predisposition; Hereditary Cancer Syndrome; Hereditary neoplastic syndrome. Identifiers: Orphanet 140162, MedGen C0027672, MeSH D009386, MONDO:0015356.
Familial adenomatous polyposis 1 (FAP1). Also called: FAMILIAL ADENOMATOUS POLYPOSIS 1, ATTENUATED; POLYPOSIS, ADENOMATOUS INTESTINAL. Identifiers: MedGen C2713442, MONDO:0021056, OMIM 175100. Disease mechanism: loss of function.

gnomAD v4.1: 1 of 1,614,038 alleles (0.000062%); highest among the groups gnomAD compares: African/African-American, 0.0013%; no homozygotes.

Submissions (3):

Labcorp Genetics (formerly Invitae), Labcorp
Classification: Likely benign for Familial adenomatous polyposis 1. Last evaluated: 2025-08-06. Review status: criteria provided, single submitter. Criteria: Invitae Variant Classification Sherloc (09022015). Collection method: clinical testing. Allele origin: germline.

Myriad Genetics, Inc.
Classification: Benign for Familial adenomatous polyposis 1. Last evaluated: 2024-02-22. Review status: criteria provided, single submitter. Criteria: Myriad Autosomal Dominant, Autosomal Recessive and X-Linked Classification Criteria (2023). Collection method: clinical testing. Allele origin: unknown.
Comment: This variant is considered benign. This variant is a silent/synonymous amino acid change and it is not expected to impact splicing.

Ambry Genetics
Classification: Likely benign for Hereditary cancer-predisposing syndrome. Last evaluated: 2017-02-22. Review status: criteria provided, single submitter. Criteria: Ambry Variant Classification Scheme 2023. Collection method: clinical testing. Allele origin: germline.

NM_000038.6(APC):c.279C>T (p.Leu93=)

Gene: APC (APC regulator of Wnt signaling pathway; plus strand). Cytogenetic location: 5q22.2.
Variant type: single nucleotide variant.
Coding change: c.279C>T on transcript NM_000038.6 (MANE Select); coding-DNA position 279, C replaced by T.
Protein change: p.Leu93=; no amino-acid change (leucine 93 retained).
Molecular consequence: synonymous variant. On other transcripts: 5 prime UTR variant (1).
Genome position (GRCh38, 1-based): chr5:112,767,247, C>T. VCF-style: chr5-112767247-C-T. GRCh37 (hg19) VCF-style: chr5-112102944-C-T.
Other names: c.102C>T, p.Leu34= (NM_001354905.2, NM_001354900.2, NM_001354901.2); c.-757C>T (NM_001354906.2); c.279C>T, p.Leu93= (NM_001127510.3, NM_001354895.2, NM_001354896.2 and 2 more transcripts); c.309C>T, p.Leu103= (NM_001127511.3, NM_001354897.2, NM_001354902.2); c.204C>T, p.Leu68= (NM_001354898.2, NM_001354904.2).
Identifiers: ClinVar variation 482390 (VCV000482390.53), dbSNP rs768492450, ClinGen allele CA445753227.